The following is an entry in ClinVar:

NM_015272.5(RPGRIP1L):c.632+2T>C

Gene: RPGRIP1L (RPGRIP1 like; minus strand). Cytogenetic location: 16q12.2.
Variant type: single nucleotide variant.
Coding change: c.632+2T>C on transcript NM_015272.5 (MANE Select); the canonical splice donor site of the intron after coding-DNA position 632, T replaced by C.
Molecular consequence: splice donor variant.
Genome position (GRCh38, 1-based): chr16:53,687,861, A>G on the plus strand (T>C on the coding strand, the complement: RPGRIP1L is on the minus strand). VCF-style: chr16-53687861-A-G. GRCh37 (hg19) VCF-style: chr16-53721773-A-G.
Other names: c.632+2T>C (NM_001127897.4, NM_001330538.2, NM_001308334.3).
Identifiers: ClinVar variation 1496186 (VCV001496186.8), dbSNP rs2151325186, ClinGen allele CA395924357.

ClinVar aggregate classification (germline): Likely pathogenic (1 of 4 stars; one submission).

Conditions:
Meckel-Gruber syndrome. Also called: DYSENCEPHALIA SPLANCHNOCYSTICA; GRUBER SYNDROME; Dysencephalia splachnocystica. Identifiers: Orphanet 564, MedGen C0265215, MONDO:0018921.
Joubert syndrome. Also called: CEREBELLOPARENCHYMAL DISORDER IV; JOUBERT-BOLTSHAUSER SYNDROME; Familial aplasia of the vermis. Identifiers: Orphanet 475, MedGen C5979921, MONDO:0018772.

Submission:

Labcorp Genetics (formerly Invitae), Labcorp
Classification: Likely pathogenic for Joubert syndrome; Meckel-Gruber syndrome. Last evaluated: 2021-05-07. Review status: criteria provided, single submitter. Criteria: Invitae Variant Classification Sherloc (09022015). Collection method: clinical testing. Allele origin: germline.
Comment: This sequence change affects a donor splice site in intron 5 of the RPGRIP1L gene. It is expected to disrupt RNA splicing. Variants that disrupt the donor or acceptor splice site typically lead to a loss of protein function (PMID: 16199547), and loss-of-function variants in RPGRIP1L are known to be pathogenic (PMID: 17558409). This variant is not present in population databases (ExAC no frequency). This variant has not been reported in the literature in individuals with RPGRIP1L-related conditions. Algorithms developed to predict the effect of sequence changes on RNA splicing suggest that this variant may disrupt the consensus splice site, but this prediction has not been confirmed by published transcriptional studies. In summary, the currently available evidence indicates that the variant is pathogenic, but additional data are needed to prove that conclusively. Therefore, this variant has been classified as Likely Pathogenic.

Literature cited by the submitters: PubMed 16199547; PubMed 17558409.